The following is an entry in ClinVar:

ClinVar aggregate classification (germline): Uncertain significance (1 of 4 stars; one submission).

Conditions:
Breast-ovarian cancer, familial, susceptibility to, 1 (BROVCA1). Also called: BRCA1 Hereditary Breast and Ovarian Cancer; OVARIAN CANCER, SUSCEPTIBILITY TO. Identifiers: Orphanet 145, MedGen C2676676, MONDO:0011450, OMIM 604370. Disease mechanism: loss of function.

Submission:

Servicio Canario de Salud, Hospital Universitario Nuestra Sra. de Candelaria
Classification: Uncertain significance for Breast-ovarian cancer, familial, susceptibility to, 1. Last evaluated: 2023-12-19. Review status: criteria provided, single submitter. Criteria: ACMG Guidelines, 2015. Collection method: clinical testing. Allele origin: germline. Inheritance: Autosomal dominant inheritance. Affected: yes. Observed: 1 heterozygote.
Comment: This variant has never been reported in BRCA1 related-disorders. This variant was absent from large population studies (gnomAD no frequency). ClinVar doesn´t contain entries for this variant. To date there are no functional/experimental studies. In summary, the available evidence for g.(43115737-43124057)_(43126177-43130057)[3] BRCA1 variant is currently insufficient to determine the role of this variant in disease. Therefore, it has been classified as a Variant of Uncertain Significance.

NC_000017.11:g.(43115737_43124057)_(43126177_43130057)[3]

Genes: BRCA1 (BRCA1 DNA repair associated; minus strand), NBR2 (neighbor of BRCA1 lncRNA 2; plus strand), LOC110485084 (BRCA1 intronic recombination region; plus strand), LOC111589215 (BRCA1 promoter region; plus strand), LOC111589216 (BRCA1 intron 2 regulatory region; plus strand). Cytogenetic location: 17q21.31.
Variant type: Variation.
Identifiers: ClinVar variation 2920670 (VCV002920670.2).